The following is an entry in ClinVar:

ClinVar aggregate classification (germline): Uncertain significance. Review status: criteria provided, multiple submitters, no conflicts (2 of 4 stars). 2 submissions from 2 submitters: Uncertain significance (2). Last evaluated 2024-12-20.

Conditions:
TFG-related disorder. Also called: TFG-related disorders; TFG-related condition.
Hereditary spastic paraplegia 57. Also called: Spastic paraplegia 57, autosomal recessive. Identifiers: Orphanet 431329, MedGen C3714897, MONDO:0014295, OMIM 615658.
Hereditary motor and sensory neuropathy, Okinawa type (HMSNO). Also called: HEREDITARY MOTOR AND SENSORY NEUROPATHY, PROXIMAL TYPE. Identifiers: Orphanet 90117, MedGen C1858338, MONDO:0011468, OMIM 604484.

gnomAD v4.1: 5 of 1,604,006 alleles (0.00031%); highest among the groups gnomAD compares: South Asian, 0.0056%; no homozygotes.

Submissions (2):

PreventionGenetics, part of Exact Sciences
Classification: Uncertain significance for TFG-related condition. Last evaluated: 2024-12-20. Review status: criteria provided, single submitter. Criteria: ACMG Guidelines, 2015. Collection method: clinical testing. Allele origin: germline.
Comment: The TFG c.398C>T variant is predicted to result in the amino acid substitution p.Thr133Ile. To our knowledge, this variant has not been reported in the literature. This variant is reported in 0.0035% of alleles in individuals of South Asian descent in gnomAD. At this time, the clinical significance of this variant is uncertain due to the absence of conclusive functional and genetic evidence.

Labcorp Genetics (formerly Invitae), Labcorp
Classification: Uncertain significance for Hereditary motor and sensory neuropathy, Okinawa type; Hereditary spastic paraplegia 57. Last evaluated: 2024-05-07. Review status: criteria provided, single submitter. Criteria: Invitae Variant Classification Sherloc (09022015). Collection method: clinical testing. Allele origin: germline.
Comment: This sequence change replaces threonine, which is neutral and polar, with isoleucine, which is neutral and non-polar, at codon 133 of the TFG protein (p.Thr133Ile). The frequency data for this variant in the population databases is considered unreliable, as metrics indicate poor data quality at this position in the gnomAD database. This variant has not been reported in the literature in individuals affected with TFG-related conditions. Advanced modeling of protein sequence and biophysical properties (such as structural, functional, and spatial information, amino acid conservation, physicochemical variation, residue mobility, and thermodynamic stability) performed at Invitae indicates that this missense variant is not expected to disrupt TFG protein function with a negative predictive value of 80%. In summary, the available evidence is currently insufficient to determine the role of this variant in disease. Therefore, it has been classified as a Variant of Uncertain Significance.

NM_006070.6(TFG):c.398C>T (p.Thr133Ile)

Gene: TFG (trafficking from ER to golgi regulator; plus strand). Cytogenetic location: 3q12.2.
Variant type: single nucleotide variant.
Coding change: c.398C>T on transcript NM_006070.6 (MANE Select); coding-DNA position 398, C replaced by T.
Protein change: p.Thr133Ile; replaces threonine 133 with isoleucine.
Molecular consequence: missense variant.
Genome position (GRCh38, 1-based): chr3:100,728,841, C>T. VCF-style: chr3-100728841-C-T. GRCh37 (hg19) VCF-style: chr3-100447685-C-T.
Other names: c.398C>T, p.Thr133Ile (NM_001007565.2, NM_001195478.2, NM_001195479.2); c.398C>T (NM_006070.5); short protein forms T133I.
Identifiers: ClinVar variation 3751540 (VCV003751540.3).